The following is an entry in ClinVar:

NM_206933.4(USH2A):c.2829C>T (p.Gly943=)

Genes: USH2A (usherin; minus strand), USH2A-AS1 (USH2A antisense RNA 1; plus strand). Cytogenetic location: 1q41.
Variant type: single nucleotide variant.
Coding change: c.2829C>T on transcript NM_206933.4 (MANE Select); coding-DNA position 2829, C replaced by T.
Protein change: p.Gly943=; no amino-acid change (glycine 943 retained).
Molecular consequence: synonymous variant.
Genome position (GRCh38, 1-based): chr1:216,232,117, G>A on the plus strand (C>T on the coding strand, the complement: USH2A is on the minus strand). VCF-style: chr1-216232117-G-A. GRCh37 (hg19) VCF-style: chr1-216405459-G-A.
Other names: c.2829C>T, p.Gly943= (NM_007123.6).
Identifiers: ClinVar variation 4062893 (VCV004062893.2).

ClinVar aggregate classification (germline): Uncertain significance. Review status: criteria provided, single submitter (1 of 4 stars). 2 submissions from 2 submitters: Uncertain significance (1). 1 of the submissions does not count toward it. Last evaluated 2025-08-14.

Conditions:
Usher syndrome type 2A. Also called: RETINAL DISEASE IN USHER SYNDROME TYPE IIA, MODIFIER OF; USHER SYNDROME, TYPE IIA. Identifiers: Orphanet 231178, Orphanet 886, MedGen C1848634, MONDO:0010169, OMIM 276901.

gnomAD v4.1: 1 of 1,613,320 alleles (0.000062%); highest among the groups gnomAD compares: Non-Finnish European, 0.000085%; no homozygotes.

Submissions (2):

Labcorp Genetics (formerly Invitae), Labcorp
Classification: Uncertain significance. Last evaluated: 2025-08-14. Review status: criteria provided, single submitter. Criteria: Invitae Variant Classification Sherloc (09022015). Collection method: clinical testing. Allele origin: germline.
Comment: This sequence change affects codon 943 of the USH2A mRNA. It is a 'silent' change, meaning that it does not change the encoded amino acid sequence of the USH2A protein. This variant is not present in population databases (gnomAD no frequency). This variant has not been reported in the literature in individuals affected with USH2A-related conditions. Algorithms developed to predict the effect of sequence changes on RNA splicing suggest that this variant may create or strengthen a splice site. In summary, the available evidence is currently insufficient to determine the role of this variant in disease. Therefore, it has been classified as a Variant of Uncertain Significance.

Natera, Inc.
Classification: Uncertain significance for Usher syndrome type 2A. Last evaluated: 2025-01-03. Review status: no assertion criteria provided. Collection method: clinical testing. Allele origin: germline. Not counted in ClinVar's aggregate classification.